The following is an entry in ClinVar:

NM_001080423.4(GRIP2):c.1453C>A (p.Pro485Thr)

Gene: GRIP2 (glutamate receptor interacting protein 2; minus strand). Cytogenetic location: 3p25.1.
Variant type: single nucleotide variant.
Coding change: c.1453C>A on transcript NM_001080423.4 (MANE Select); coding-DNA position 1453, C replaced by A.
Protein change: p.Pro485Thr; replaces proline 485 with threonine.
Molecular consequence: missense variant.
Genome position (GRCh38, 1-based): chr3:14,514,332, G>T on the plus strand (C>A on the coding strand, the complement: GRIP2 is on the minus strand). VCF-style: chr3-14514332-G-T. GRCh37 (hg19) VCF-style: chr3-14555840-G-T.
Other names: short protein forms P485T.
Identifiers: ClinVar variation 4851711 (VCV004851711.1).

ClinVar aggregate classification (germline): Uncertain significance (1 of 4 stars; one submission).

Submission:

Greenwood Genetic Center Diagnostic Laboratories, Greenwood Genetic Center
Classification: Uncertain significance. Last evaluated: 2025-02-25. Review status: criteria provided, single submitter. Criteria: ACMG Guidelines, 2015. Collection method: clinical testing. Allele origin: germline.
Comment: Gene of Uncertain Significance